The following is an entry in ClinVar:

NM_000821.7(GGCX):c.1889-1G>A

Gene: GGCX (gamma-glutamyl carboxylase; minus strand). Cytogenetic location: 2p11.2.
Variant type: single nucleotide variant.
Coding change: c.1889-1G>A on transcript NM_000821.7 (MANE Select); the canonical splice acceptor site of the intron before coding-DNA position 1889, G replaced by A.
Molecular consequence: splice acceptor variant.
Genome position (GRCh38, 1-based): chr2:85,550,751, C>T on the plus strand (G>A on the coding strand, the complement: GGCX is on the minus strand). VCF-style: chr2-85550751-C-T. GRCh37 (hg19) VCF-style: chr2-85777874-C-T.
Other names: c.1718-1G>A (NM_001142269.4).
Identifiers: ClinVar variation 4850369 (VCV004850369.1).

ClinVar aggregate classification (germline): Likely pathogenic (1 of 4 stars; one submission).

Conditions:
Vitamin K-dependent clotting factors, combined deficiency of, type 1. Also called: FACTORS II, VII, IX, AND X, COMBINED DEFICIENCY OF; FAMILIAL MULTIPLE COAGULATION FACTOR DEFICIENCY III; FMFD III; GLUTAMIC ACID, DEFICIENT GAMMA-CARBOXYLATION OF; MULTIPLE COAGULATION FACTOR DEFICIENCY III; VITAMIN K-DEPENDENT COAGULATION DEFECT. Identifiers: Orphanet 98434, MedGen C1848534, MONDO:0010187, OMIM 277450.
Body skin hyperlaxity due to vitamin K-dependent coagulation factor deficiency (PXECD). Also called: PSEUDOXANTHOMA ELASTICUM-LIKE DISORDER WITH MULTIPLE COAGULATION FACTOR DEFICIENCY; PXE-LIKE DISORDER WITH MULTIPLE COAGULATION FACTOR DEFICIENCY; PXE-like disorder. Identifiers: Orphanet 91135, MedGen C1835813, MONDO:0012570, OMIM 610842.

Submission:

First Genomix Gene Laboratory, Genetic Diagnostics Department
Classification: Likely pathogenic for Vitamin K-dependent clotting factors, combined deficiency of, type 1; Body skin hyperlaxity due to vitamin K-dependent coagulation factor deficiency. Last evaluated: 2025-09-19. Review status: criteria provided, single submitter. Criteria: ACMG Guidelines, 2015. Collection method: clinical testing. Allele origin: germline. Inheritance: Autosomal recessive inheritance. Affected: no. Observed: 1 variant allele.